The following is an entry in ClinVar:

ClinVar aggregate classification (germline): Uncertain significance (1 of 4 stars; one submission).

Conditions:
Charcot-Marie-Tooth disease, type I (CMT1). Also called: Charcot-Marie-Tooth, Type 1; Charcot-Marie-Tooth disease type 1. Identifiers: Orphanet 65753, MedGen C0751036, MONDO:0019011.

Submission:

Labcorp Genetics (formerly Invitae), Labcorp
Classification: Uncertain significance for Charcot-Marie-Tooth disease, type I. Last evaluated: 2023-11-08. Review status: criteria provided, single submitter. Criteria: Invitae Variant Classification Sherloc (09022015). Collection method: clinical testing. Allele origin: germline.
Comment: This sequence change replaces tryptophan, which is neutral and slightly polar, with cysteine, which is neutral and slightly polar, at codon 53 of the MPZ protein (p.Trp53Cys). This variant is not present in population databases (gnomAD no frequency). This missense change has been observed in individual(s) with clinical features of Charcot-Marie-Tooth disease (Invitae). Advanced modeling of protein sequence and biophysical properties (such as structural, functional, and spatial information, amino acid conservation, physicochemical variation, residue mobility, and thermodynamic stability) has been performed at Invitae for this missense variant, however the output from this modeling did not meet the statistical confidence thresholds required to predict the impact of this variant on MPZ protein function. Algorithms developed to predict the effect of sequence changes on RNA splicing suggest that this variant may create or strengthen a splice site. In summary, the available evidence is currently insufficient to determine the role of this variant in disease. Therefore, it has been classified as a Variant of Uncertain Significance.

NM_000530.8(MPZ):c.159G>T (p.Trp53Cys)

Gene: MPZ (myelin protein zero; minus strand). Cytogenetic location: 1q23.3.
Variant type: single nucleotide variant.
Coding change: c.159G>T on transcript NM_000530.8 (MANE Select); coding-DNA position 159, G replaced by T.
Protein change: p.Trp53Cys; replaces tryptophan 53 with cysteine.
Molecular consequence: missense variant.
Genome position (GRCh38, 1-based): chr1:161,307,333, C>A on the plus strand (G>T on the coding strand, the complement: MPZ is on the minus strand). VCF-style: chr1-161307333-C-A. GRCh37 (hg19) VCF-style: chr1-161277123-C-A.
Other names: c.159G>T, p.Trp53Cys (NM_001315491.2); short protein forms W53C.
Identifiers: ClinVar variation 2830338 (VCV002830338.3), dbSNP rs1571820100, ClinGen allele CA343351085.